The following is an entry in ClinVar:

ClinVar aggregate classification (germline): Uncertain significance (1 of 4 stars; one submission).

Allele frequency attached by ClinVar (database versions not stated): gnomAD exomes below 0.00001.

Submission:

Labcorp Genetics (formerly Invitae), Labcorp
Classification: Uncertain significance. Last evaluated: 2021-03-26. Review status: criteria provided, single submitter. Criteria: Invitae Variant Classification Sherloc (09022015). Collection method: clinical testing. Allele origin: germline.
Comment: This sequence change replaces tryptophan with arginine at codon 128 of the ALPK3 protein (p.Trp128Arg). The tryptophan residue is weakly conserved and there is a moderate physicochemical difference between tryptophan and arginine. The frequency data for this variant in the population databases is considered unreliable, as metrics indicate insufficient coverage at this position in the ExAC database. This variant has not been reported in the literature in individuals with ALPK3-related conditions. Algorithms developed to predict the effect of missense changes on protein structure and function are either unavailable or do not agree on the potential impact of this missense change (SIFT: "Tolerated"; PolyPhen-2: "Possibly Damaging"; Align-GVGD: "Class C0"). In summary, the available evidence is currently insufficient to determine the role of this variant in disease. Therefore, it has been classified as a Variant of Uncertain Significance.

NC_000015.10:g.84817228T>C

Gene: ALPK3 (alpha kinase 3; plus strand). Cytogenetic location: 15q25.3.
Variant type: single nucleotide variant.
Genome position: GRCh38 VCF-style: chr15-84817228-T-C. GRCh37 (hg19) VCF-style: chr15-85360459-T-C.
Identifiers: ClinVar variation 1354371 (VCV001354371.8), dbSNP rs1425093369, ClinGen allele CA393368793.